The following is an entry in ClinVar:

ClinVar aggregate classification (germline): Uncertain significance (1 of 4 stars; one submission).

Submission:

GeneDx
Classification: Uncertain significance. Last evaluated: 2023-05-03. Review status: criteria provided, single submitter. Criteria: GeneDx Variant Classification Process June 2021. Collection method: clinical testing. Allele origin: germline. Affected: yes.
Comment: Not observed at significant frequency in large population cohorts (gnomAD); In silico analysis supports that this missense variant has a deleterious effect on protein structure/function; Has not been previously published as pathogenic or benign to our knowledge

NM_001308093.3(GATA4):c.658A>T (p.Asn220Tyr)

Gene: GATA4 (GATA binding protein 4). Cytogenetic location: 8p23.1.
Variant type: single nucleotide variant.
Coding change: c.658A>T on transcript NM_001308093.3 (MANE Select); coding-DNA position 658, A replaced by T.
Protein change: p.Asn220Tyr; replaces asparagine 220 with tyrosine.
Molecular consequence: missense variant.
Genome position (GRCh38, 1-based): chr8:11,748,957, A>T. VCF-style: chr8-11748957-A-T. GRCh37 (hg19) VCF-style: chr8-11606466-A-T.
Other names: c.37A>T, p.Asn13Tyr (NM_001308094.2, NM_001374273.1, NM_001374274.1); c.655A>T, p.Asn219Tyr (NM_002052.5); short protein forms N13Y, N219Y, N220Y.
Identifiers: ClinVar variation 3343265 (VCV003343265.1).